The following is an entry in ClinVar:

NM_001007553.3(CSDE1):c.500+1G>C

Gene: CSDE1 (cold shock domain containing E1; minus strand). Cytogenetic location: 1p13.2.
Variant type: single nucleotide variant.
Coding change: c.500+1G>C on transcript NM_001007553.3 (MANE Select); the canonical splice donor site of the intron after coding-DNA position 500, G replaced by C.
Molecular consequence: splice donor variant.
Genome position (GRCh38, 1-based): chr1:114,736,757, C>G on the plus strand (G>C on the coding strand, the complement: CSDE1 is on the minus strand). VCF-style: chr1-114736757-C-G. GRCh37 (hg19) VCF-style: chr1-115279378-C-G.
Other names: c.407+1G>C (NM_001242893.2, NM_007158.6); c.500+1G>C (NM_001242892.2); c.545+1G>C (NM_001130523.3); c.638+1G>C (NM_001242891.2).
Identifiers: ClinVar variation 1810077 (VCV001810077.1), dbSNP rs1466129760, ClinGen allele CA341758806.

ClinVar aggregate classification (germline): Pathogenic (1 of 4 stars; one submission).

Submission:

GeneDx
Classification: Pathogenic. Last evaluated: 2022-06-27. Review status: criteria provided, single submitter. Criteria: GeneDx Variant Classification Process June 2021. Collection method: clinical testing. Allele origin: germline. Affected: yes.
Comment: Canonical splice site variant predicted to result in a null allele in a gene for which loss of function is a known mechanism of disease; Not observed at significant frequency in large population cohorts (gnomAD); Has not been previously published as pathogenic or benign to our knowledge